The following is an entry in ClinVar:

ClinVar aggregate classification (germline): Uncertain significance (1 of 4 stars; one submission).

Conditions:
MED13-related disorder. Also called: MED13-related condition.

Allele frequency attached by ClinVar (database versions not stated): gnomAD exomes 0.00001.
gnomAD v4.1: 11 of 1,588,390 alleles (0.00069%); highest among the groups gnomAD compares: Non-Finnish European, 0.00086%; no homozygotes.

Submission:

PreventionGenetics, part of Exact Sciences
Classification: Uncertain significance for MED13-related condition. Last evaluated: 2023-04-27. Review status: criteria provided, single submitter. Criteria: ACMG Guidelines, 2015. Collection method: clinical testing. Allele origin: germline.
Comment: The MED13 c.2863C>A variant is predicted to result in the amino acid substitution p.Pro955Thr. To our knowledge, this variant has not been reported in the literature or in a large population database, indicating this variant is rare. At this time, the clinical significance of this variant is uncertain due to the absence of conclusive functional and genetic evidence.

NM_005121.3(MED13):c.2863C>A (p.Pro955Thr)

Gene: MED13 (mediator complex subunit 13; minus strand). Cytogenetic location: 17q23.2.
Variant type: single nucleotide variant.
Coding change: c.2863C>A on transcript NM_005121.3 (MANE Select); coding-DNA position 2863, C replaced by A.
Protein change: p.Pro955Thr; replaces proline 955 with threonine.
Molecular consequence: missense variant.
Genome position (GRCh38, 1-based): chr17:61,984,196, G>T on the plus strand (C>A on the coding strand, the complement: MED13 is on the minus strand). VCF-style: chr17-61984196-G-T. GRCh37 (hg19) VCF-style: chr17-60061557-G-T.
Other names: short protein forms P955T.
Identifiers: ClinVar variation 2633664 (VCV002633664.1), dbSNP rs2509280430, ClinGen allele CA400507236.